The following is an entry in ClinVar:

NM_206937.2(LIG4):c.854G>T (p.Gly285Val)

Gene: LIG4 (DNA ligase 4; minus strand). Cytogenetic location: 13q33.3.
Variant type: single nucleotide variant.
Coding change: c.854G>T on transcript NM_206937.2 (MANE Select); coding-DNA position 854, G replaced by T.
Protein change: p.Gly285Val; replaces glycine 285 with valine.
Molecular consequence: missense variant.
Genome position (GRCh38, 1-based): chr13:108,210,415, C>A on the plus strand (G>T on the coding strand, the complement: LIG4 is on the minus strand). VCF-style: chr13-108210415-C-A. GRCh37 (hg19) VCF-style: chr13-108862763-C-A.
Other names: c.854G>T, p.Gly285Val (NM_001098268.2, NM_001352598.2, NM_001352599.2 and 6 more transcripts); c.653G>T, p.Gly218Val (NM_001330595.2); c.890G>T, p.Gly297Val (NM_001352604.2); short protein forms G285V, G218V, G297V.
Identifiers: ClinVar variation 1419243 (VCV001419243.5), dbSNP rs764372392, ClinGen allele CA7043789.
Genomic context (GRCh38, chr13:108,210,415, plus strand): 5'-GAAGCACCAAACTGATCAGTGTAGTTATATCCATTTCGAGAGAAGTATTTATATACATCT[C>A]CATCTTTGTGCATTTGCATACGTTCACCATCTAGCTTGGTTTCTATGTAGAAACTCTGAT-3'
Protein context (NP_996820.1, residues 275-295): DGERMQMHKD[Gly285Val]DVYKYFSRNG

ClinVar aggregate classification (germline): Uncertain significance (1 of 4 stars; one submission).

Conditions:
DNA ligase IV deficiency. Identifiers: Orphanet 99812, MedGen C1847827, MONDO:0011686, OMIM 606593.

Allele frequency attached by ClinVar (database versions not stated): gnomAD exomes below 0.00001 and 0.00001; ExAC 0.00001.
gnomAD v4.1: 5 of 1,613,586 alleles (0.00031%); highest among the groups gnomAD compares: East Asian, 0.011%; no homozygotes.

Submission:

Labcorp Genetics (formerly Invitae), Labcorp
Classification: Uncertain significance for DNA ligase IV deficiency. Last evaluated: 2021-09-24. Review status: criteria provided, single submitter. Criteria: Invitae Variant Classification Sherloc (09022015). Collection method: clinical testing. Allele origin: germline.
Comment: This sequence change replaces glycine with valine at codon 285 of the LIG4 protein (p.Gly285Val). The glycine residue is highly conserved and there is a moderate physicochemical difference between glycine and valine. This variant is present in population databases (rs764372392, ExAC 0.01%). This variant has not been reported in the literature in individuals with LIG4-related conditions. Algorithms developed to predict the effect of missense changes on protein structure and function are either unavailable or do not agree on the potential impact of this missense change (SIFT: "Deleterious"; PolyPhen-2: "Probably Damaging"; Align-GVGD: "Class C0"). In summary, the available evidence is currently insufficient to determine the role of this variant in disease. Therefore, it has been classified as a Variant of Uncertain Significance.